The following is an entry in ClinVar:

ClinVar aggregate classification (germline): Pathogenic. Review status: no assertion criteria provided (0 of 4 stars). 3 submissions from 3 submitters: Pathogenic (2). 1 of the submissions does not count toward it. Last evaluated 2012-03-09.

Conditions:
Olmsted syndrome 1. Identifiers: Orphanet 659, MedGen C5542829, MONDO:0100296, OMIM 614594.

Submissions (3):

OMIM
Classification: Pathogenic for OLMSTED SYNDROME 1. Last evaluated: 2012-03-09. Review status: no assertion criteria provided. Collection method: literature only. Allele origin: germline.

Lab of Dermatology, Peking University First Hospital
Classification: Pathogenic. Review status: no assertion criteria provided. Collection method: not provided. Allele origin: germline.
Comment: Olmsted Syndrome
ClinVar note: Converted during submission from pathogenic to Pathogenic.

UniProtKB/Swiss-Prot
No classification provided. Review status: no classification provided. Collection method: not provided. Allele origin: not provided. Not counted in ClinVar's aggregate classification.

Literature cited by the submitters: PubMed 22405088 (cited by OMIM).

NM_145068.4(TRPV3):c.1717G>T (p.Gly573Cys)

Gene: TRPV3 (transient receptor potential cation channel subfamily V member 3; minus strand). Cytogenetic location: 17p13.2.
Variant type: single nucleotide variant.
Coding change: c.1717G>T on transcript NM_145068.4 (MANE Select); coding-DNA position 1717, G replaced by T.
Protein change: p.Gly573Cys; replaces glycine 573 with cysteine.
Molecular consequence: missense variant.
Genome position (GRCh38, 1-based): chr17:3,524,224, C>A on the plus strand (G>T on the coding strand, the complement: TRPV3 is on the minus strand). VCF-style: chr17-3524224-C-A. GRCh37 (hg19) VCF-style: chr17-3427518-C-A.
Other names: c.1717G>T, p.Gly573Cys (NM_001258205.2); short protein forms G573C.
Identifiers: ClinVar variation 30637 (VCV000030637.3), dbSNP rs199473704, ClinGen allele CA129384.